The following is an entry in ClinVar:

NM_145290.4(ADGRA3):c.3736C>T (p.Leu1246Phe)

Gene: ADGRA3 (adhesion G protein-coupled receptor A3; minus strand). Cytogenetic location: 4p15.2.
Variant type: single nucleotide variant.
Coding change: c.3736C>T on transcript NM_145290.4 (MANE Select); coding-DNA position 3736, C replaced by T.
Protein change: p.Leu1246Phe; replaces leucine 1246 with phenylalanine.
Molecular consequence: missense variant.
Genome position (GRCh38, 1-based): chr4:22,387,935, G>A on the plus strand (C>T on the coding strand, the complement: ADGRA3 is on the minus strand). VCF-style: chr4-22387935-G-A. GRCh37 (hg19) VCF-style: chr4-22389558-G-A.
Other names: short protein forms L1246F.
Identifiers: ClinVar variation 3610842 (VCV003610842.2).

ClinVar aggregate classification (germline): Uncertain significance (1 of 4 stars; one submission).

gnomAD v4.1: 1 of 1,614,162 alleles (0.000062%); highest among the groups gnomAD compares: Non-Finnish European, 0.000085%; no homozygotes.

Submission:

Labcorp Genetics (formerly Invitae), Labcorp
Classification: Uncertain significance. Last evaluated: 2024-11-19. Review status: criteria provided, single submitter. Criteria: Invitae Variant Classification Sherloc (09022015). Collection method: clinical testing. Allele origin: germline.
Comment: This sequence change replaces leucine, which is neutral and non-polar, with phenylalanine, which is neutral and non-polar, at codon 1246 of the ADGRA3 protein (p.Leu1246Phe). This variant is not present in population databases (gnomAD no frequency). This variant has not been reported in the literature in individuals affected with ADGRA3-related conditions. An algorithm developed to predict the effect of missense changes on protein structure and function (PolyPhen-2) suggests that this variant is likely to be disruptive. In summary, the available evidence is currently insufficient to determine the role of this variant in disease. Therefore, it has been classified as a Variant of Uncertain Significance.